The following is an entry in ClinVar:

ClinVar aggregate classification (germline): Benign. Review status: criteria provided, multiple submitters, no conflicts (2 of 4 stars). 4 submissions from 2 submitters: Benign (4). Last evaluated 2018-01-12.

Conditions:
Corticosterone 18-monooxygenase deficiency. Also called: ALDOSTERONE DEFICIENCY DUE TO DEFECT IN STEROID 18-HYDROXYLASE; ALDOSTERONE DEFICIENCY I; CMO I DEFICIENCY; STEROID 18-HYDROXYLASE DEFICIENCY; 18 Hydroxylase deficiency; Aldosterone deficiency due to defect in 18 hydroxylase. Identifiers: Orphanet 427, MedGen C0268293, MONDO:0008751, OMIM 203400. Disease mechanism: loss of function.
Corticosterone methyloxidase type 2 deficiency. Also called: 18-OXIDASE DEFICIENCY; ALDOSTERONE DEFICIENCY DUE TO DEFICIENCY OF STEROID 18-OXIDASE; ALDOSTERONE DEFICIENCY II; CMO II DEFICIENCY; STEROID 18-OXIDASE DEFICIENCY. Identifiers: Orphanet 427, MedGen C3463917, MONDO:0012524, OMIM 610600. Disease mechanism: loss of function.
Glucocorticoid-remediable aldosteronism. Also called: Hyperaldosteronism, familial, type I; ACTH-DEPENDENT HYPERALDOSTERONISM SYNDROME; ALDOSTERONISM, SENSITIVE TO DEXAMETHASONE; FH I; GLUCOCORTICOID-SUPPRESSIBLE HYPERALDOSTERONISM. Identifiers: Orphanet 403, MedGen C3838731, MONDO:0007080, OMIM 103900.

Allele frequency attached by ClinVar (database versions not stated): TOPMed 0.99850; gnomAD 0.99854 and 0.99866; 1000 Genomes Project 30x 0.99891; 1000 Genomes Project 0.99900; gnomAD exomes 0.99987.
gnomAD v4.1: 572,701 of 572,964 alleles (100%); highest among the groups gnomAD compares: Middle Eastern, 100%; 286,219 homozygotes.

Submissions (4):

Illumina Laboratory Services, Illumina
Classification: Benign for Hyperaldosteronism, familial, type I. Last evaluated: 2018-01-12. Review status: criteria provided, single submitter. Criteria: ICSL Variant Classification Criteria 13 December 2019. Collection method: clinical testing. Allele origin: germline.
Comment: This variant was observed in the ICSL laboratory as part of a predisposition screen in an ostensibly healthy population. It had not been previously curated by ICSL or reported in the Human Gene Mutation Database (HGMD: prior to June 1st, 2018), and was therefore a candidate for classification through an automated scoring system. Utilizing variant allele frequency, disease prevalence and penetrance estimates, and inheritance mode, an automated score was calculated to assess if this variant is too frequent to cause the disease. Based on the score and internal cut-off values, a variant classified as benign is not then subjected to further curation. The score for this variant resulted in a classification of benign for this disease.

Illumina Laboratory Services, Illumina
Classification: Benign for Corticosterone 18-monooxygenase deficiency. Last evaluated: 2018-01-12. Review status: criteria provided, single submitter. Criteria: ICSL Variant Classification Criteria 13 December 2019. Collection method: clinical testing. Allele origin: germline.
Comment: the same text as in the submission from Illumina Laboratory Services, Illumina above.

Illumina Laboratory Services, Illumina
Classification: Benign for Corticosterone methyloxidase type 2 deficiency. Last evaluated: 2018-01-12. Review status: criteria provided, single submitter. Criteria: ICSL Variant Classification Criteria 13 December 2019. Collection method: clinical testing. Allele origin: germline.
Comment: the same text as in the submission from Illumina Laboratory Services, Illumina above.

Breakthrough Genomics
Classification: Benign. Review status: criteria provided, single submitter. Criteria: ACMG Guidelines, 2015. Collection method: not provided. Allele origin: germline. Inheritance: Autosomal recessive inheritance. Affected: yes.

NM_000498.3(CYP11B2):c.*239T>C

Genes: CYP11B2 (cytochrome P450 family 11 subfamily B member 2; minus strand), LOC106799834 (CYP11B2 recombination region; plus strand). Cytogenetic location: 8q24.3.
Variant type: single nucleotide variant.
Coding change: c.*239T>C on transcript NM_000498.3 (MANE Select); 239 bases downstream of the stop codon, T replaced by C.
Molecular consequence: 3 prime UTR variant.
Genome position (GRCh38, 1-based): chr8:142,911,741, A>G on the plus strand (T>C on the coding strand, the complement: CYP11B2 is on the minus strand). VCF-style: chr8-142911741-A-G. GRCh37 (hg19) VCF-style: chr8-143993157-A-G.
Identifiers: ClinVar variation 362189 (VCV000362189.6), dbSNP rs9297975, ClinGen allele CA10624974.